The following is an entry in ClinVar:

ClinVar aggregate classification (germline): Uncertain significance (1 of 4 stars; one submission).

Allele frequency attached by ClinVar (database versions not stated): gnomAD exomes below 0.00001; TOPMed 0.00003; gnomAD 0.00004.
gnomAD v4.1: 8 of 1,614,116 alleles (0.0005%); highest among the groups gnomAD compares: African/African-American, 0.011%; no homozygotes.

Submission:

GeneDx
Classification: Uncertain significance. Last evaluated: 2023-03-27. Review status: criteria provided, single submitter. Criteria: GeneDx Variant Classification Process June 2021. Collection method: clinical testing. Allele origin: germline. Affected: yes.
Comment: Not observed at significant frequency in large population cohorts (gnomAD); In silico analysis supports that this missense variant has a deleterious effect on protein structure/function; Has not been previously published as pathogenic or benign to our knowledge

NM_012208.4(HARS2):c.1432A>G (p.Lys478Glu)

Gene: HARS2 (histidyl-tRNA synthetase 2, mitochondrial; plus strand). Cytogenetic location: 5q31.3.
Variant type: single nucleotide variant.
Coding change: c.1432A>G on transcript NM_012208.4 (MANE Select); coding-DNA position 1432, A replaced by G.
Protein change: p.Lys478Glu; replaces lysine 478 with glutamic acid.
Molecular consequence: missense variant.
Genome position (GRCh38, 1-based): chr5:140,698,049, A>G. VCF-style: chr5-140698049-A-G. GRCh37 (hg19) VCF-style: chr5-140077634-A-G.
Other names: c.1357A>G, p.Lys453Glu (NM_001278731.2); c.1000A>G, p.Lys334Glu (NM_001278732.2); c.1450A>G, p.Lys484Glu (NM_001363535.2); c.1222A>G, p.Lys408Glu (NM_001363536.2); short protein forms K334E, K408E, K453E, K478E, K484E.
Identifiers: ClinVar variation 2581799 (VCV002581799.1), dbSNP rs987642735, ClinGen allele CA128344273.